The following is an entry in ClinVar:

ClinVar aggregate classification (germline): Uncertain significance (1 of 4 stars; one submission).

Conditions:
Hereditary cancer-predisposing syndrome. Also called: Neoplastic Syndromes, Hereditary; Tumor predisposition; Hereditary Cancer Syndrome; Hereditary neoplastic syndrome. Identifiers: Orphanet 140162, MedGen C0027672, MeSH D009386, MONDO:0015356.

Submission:

Ambry Genetics
Classification: Uncertain significance for Hereditary cancer-predisposing syndrome. Last evaluated: 2025-12-17. Review status: criteria provided, single submitter. Criteria: Ambry Variant Classification Scheme 2023. Collection method: clinical testing. Allele origin: germline.
Comment: The p.T418R variant (also known as c.1253C>G), located in coding exon 2 of the MET gene, results from a C to G substitution at nucleotide position 1253. The threonine at codon 418 is replaced by arginine, an amino acid with similar properties. This amino acid position is conserved. In addition, this alteration is predicted to be tolerated by in silico analysis. Based on the available evidence, the clinical significance of this variant remains unclear.

NM_000245.4(MET):c.1253C>G (p.Thr418Arg)

Gene: MET (MET proto-oncogene, receptor tyrosine kinase; plus strand). Cytogenetic location: 7q31.2.
Variant type: single nucleotide variant.
Coding change: c.1253C>G on transcript NM_000245.4 (MANE Select); coding-DNA position 1253, C replaced by G.
Protein change: p.Thr418Arg; replaces threonine 418 with arginine.
Molecular consequence: missense variant. On other transcripts: 5 prime UTR variant (1).
Genome position (GRCh38, 1-based): chr7:116,731,720, C>G. VCF-style: chr7-116731720-C-G. GRCh37 (hg19) VCF-style: chr7-116371774-C-G.
Other names: c.1253C>G, p.Thr418Arg (NM_001127500.3, NM_001324401.3); c.-38C>G (NM_001324402.2); short protein forms T418R.
Identifiers: ClinVar variation 4843760 (VCV004843760.1).